The following is an entry in ClinVar:

ClinVar aggregate classification (germline): Uncertain significance. Review status: criteria provided, multiple submitters, no conflicts (2 of 4 stars). 3 submissions from 3 submitters: Uncertain significance (2). 1 of the submissions does not count toward it. Last evaluated 2024-12-26.

Conditions:
Colorectal cancer. Also called: Colorectal cancer, somatic; Malignant Colorectal Neoplasm. Identifiers: MedGen C0346629, MONDO:0005575, OMIM 114500.

Allele frequency attached by ClinVar (database versions not stated): gnomAD exomes below 0.00001; TOPMed below 0.00001; gnomAD 0.00001.
gnomAD v4.1: 5 of 1,613,924 alleles (0.00031%); highest among the groups gnomAD compares: Non-Finnish European, 0.00042%; no homozygotes.

Submissions (3):

Ambry Genetics
Classification: Uncertain significance. Last evaluated: 2024-12-26. Review status: criteria provided, single submitter. Criteria: Ambry Variant Classification Scheme 2023. Collection method: clinical testing. Allele origin: germline.

Labcorp Genetics (formerly Invitae), Labcorp
Classification: Uncertain significance. Last evaluated: 2021-06-02. Review status: criteria provided, single submitter. Criteria: Invitae Variant Classification Sherloc (09022015). Collection method: clinical testing. Allele origin: germline.
Comment: In summary, the available evidence is currently insufficient to determine the role of this variant in disease. Therefore, it has been classified as a Variant of Uncertain Significance. Algorithms developed to predict the effect of missense changes on protein structure and function are either unavailable or do not agree on the potential impact of this missense change (SIFT: "Tolerated"; PolyPhen-2: "Probably Damaging"; Align-GVGD: "Class C0"). This variant has not been reported in the literature in individuals with ERBB2-related conditions. This variant is not present in population databases (ExAC no frequency). This sequence change replaces arginine with serine at codon 756 of the ERBB2 protein (p.Arg756Ser). The arginine residue is highly conserved and there is a moderate physicochemical difference between arginine and serine.

Research Institute for Gastroenterology and Liver Diseases, Shahid Beheshti University of Medical Sciences
Classification: Pathogenic, low penetrance for Colorectal cancer. Review status: no assertion criteria provided. Collection method: clinical testing. Allele origin: germline. Inheritance: Autosomal dominant inheritance. Affected: yes. Observed: 1 heterozygote. Not counted in ClinVar's aggregate classification.
Comment: The R756S variant in ERBB2 has been reported in one Iranian family with early onset colorectal cancer, segregated with the disease in one affected relative. Additionally, structural modeling indicate that the R756S mutation is located within the catalytic domain of the protein tyrosine kinase, which plays a critical role in ERBB2 signaling and activity. In this mutation, an arginine, a large positively charged amino acid, is replaced by a serine, a small uncharged amino acid. The mutated residue R756 is positioned near key functional sites. K753 is part of the ATP-binding site, and this mutation has been found in breast cancer (PMID: 27697991). Additionally, R756 is located near L755, a residue where the L755S mutation has been frequently reported in various cancers (PMID: 23220880; PMID: 15457249). L755S is associated with resistance to tyrosine kinase inhibitors, such as lapatinib, which is commonly used to treat ERBB2-positive breast cancer (PMID: 28487443; PMID: 31135266). Although R756S is less frequently reported than L755S, its location suggests that it may similarly affect kinase function or drug binding. In summary, the R756S variant meets our criteria to be classified as Pathogenic, low penetrance based upon segregation studies, and functional evidence.

NM_004448.4(ERBB2):c.2268G>T (p.Arg756Ser)

Gene: ERBB2 (erb-b2 receptor tyrosine kinase 2; plus strand). Cytogenetic location: 17q12.
Variant type: single nucleotide variant.
Coding change: c.2268G>T on transcript NM_004448.4 (MANE Select); coding-DNA position 2268, G replaced by T.
Protein change: p.Arg756Ser; replaces arginine 756 with serine.
Molecular consequence: missense variant. On other transcripts: non-coding transcript variant (1), intron variant (2).
Genome position (GRCh38, 1-based): chr17:39,723,971, G>T. VCF-style: chr17-39723971-G-T. GRCh37 (hg19) VCF-style: chr17-37880224-G-T.
Other names: c.2268G>T (NM_004448.2); c.2178G>T, p.Arg726Ser (NM_001005862.3, NM_001382782.1, NM_001382783.1); c.2223G>T, p.Arg741Ser (NM_001289936.2); c.2268G>T, p.Arg756Ser (NM_001289937.2, NM_001382796.1, NM_001382798.1 and 1 more transcripts); c.2385G>T, p.Arg795Ser (NM_001382784.1); c.2370G>T, p.Arg790Ser (NM_001382785.1); c.2349G>T, p.Arg783Ser (NM_001382786.1); c.2343G>T, p.Arg781Ser (NM_001382787.1); and 12 more; short protein forms R480S, R740S, R753S, R763S, R766S, R783S, R741S, R781S.
Identifiers: ClinVar variation 1399145 (VCV001399145.9), dbSNP rs1435457852, ClinGen allele CA399302599.